The following is an entry in ClinVar:

NM_007294.4(BRCA1):c.70T>G (p.Cys24Gly)

Gene: BRCA1 (BRCA1 DNA repair associated; minus strand). Cytogenetic location: 17q21.31.
Variant type: single nucleotide variant.
Coding change: c.70T>G on transcript NM_007294.4 (MANE Select); coding-DNA position 70, T replaced by G.
Protein change: p.Cys24Gly; replaces cysteine 24 with glycine.
Molecular consequence: missense variant. On other transcripts: 5 prime UTR variant (1), non-coding transcript variant (1).
Genome position (GRCh38, 1-based): chr17:43,124,027, A>C on the plus strand (T>G on the coding strand, the complement: BRCA1 is on the minus strand). VCF-style: chr17-43124027-A-C. GRCh37 (hg19) VCF-style: chr17-41276044-A-C.
Other names: c.-119T>G (NM_001407571.1, NM_001407853.1, NM_001407879.1 and 46 more transcripts); c.70T>G, p.Cys24Gly (NM_001407581.1, NM_001407582.1, NM_001407583.1 and 193 more transcripts); c.-188T>G (NM_001407694.1, NM_001407724.1, NM_001407727.1 and 11 more transcripts); c.-192T>G (NM_001407695.1, NM_001408465.1); c.-333T>G (NM_001407696.1); c.-217T>G (NM_001407697.1, NM_001407846.1, NM_001407920.1); c.-18T>G (NM_001407698.1, NM_001407732.1, NM_001407736.1 and 23 more transcripts); c.-191T>G (NM_001407725.1, NM_001407730.1, NM_001407734.1 and 22 more transcripts); and 8 more; short protein forms C24G.
Identifiers: ClinVar variation 649351 (VCV000649351.15), dbSNP rs80357410, ClinGen allele CA10602016.

ClinVar aggregate classification (germline): Pathogenic/Likely pathogenic. Review status: criteria provided, multiple submitters, no conflicts (2 of 4 stars). 3 submissions from 3 submitters: Pathogenic (2); Likely pathogenic (1). Last evaluated 2024-05-17.

Conditions:
Hereditary cancer-predisposing syndrome. Also called: Hereditary neoplastic syndrome; Tumor predisposition; Hereditary Cancer Syndrome; Neoplastic Syndromes, Hereditary. Identifiers: Orphanet 140162, MedGen C0027672, MeSH D009386, MONDO:0015356.
Hereditary breast ovarian cancer syndrome. Also called: Hereditary breast and ovarian cancer syndrome (HBOC); Hereditary breast and ovarian cancer; BRCA1- and BRCA2-Associated Hereditary Breast and Ovarian Cancer; Breast and ovarian cancer; Hereditary breast and ovarian cancer syndrome; Hereditary breast and/or ovarian cancer syndrome. Identifiers: Orphanet 145, MedGen C0677776, MeSH D061325, MONDO:0003582. Disease mechanism: loss of function.

Submissions (4):

Quest Diagnostics Nichols Institute San Juan Capistrano
Classification: Pathogenic. Last evaluated: 2024-05-17. Review status: criteria provided, single submitter. Criteria: Quest Diagnostics criteria. Collection method: clinical testing. Allele origin: unknown.
Comment: The BRCA1 c.70T>G (p.Cys24Gly) variant has been reported in the published literature in one individual with breast cancer (PMID: 28664449 (2017)). This variant has not been reported in large, multi-ethnic general populations (Genome Aggregation Database). The variant is located in a region that is considered important for protein function and/or structure (PMID: 16403807 (2006), PMID: 20103620 (2010)). Experimental studies demonstrated that this variant was damaging to protein function (PMID: 25823446 (2015), PMID: 30209399 (2018)). Analysis of this variant using bioinformatics tools for the prediction of the effect of amino acid changes on protein structure and function yielded predictions that this variant is damaging. Based on the available information, this variant is classified as pathogenic.

Labcorp Genetics (formerly Invitae), Labcorp
Classification: Likely pathogenic for Hereditary breast ovarian cancer syndrome. Last evaluated: 2020-11-25. Review status: criteria provided, single submitter. Criteria: Invitae Variant Classification Sherloc (09022015). Collection method: clinical testing. Allele origin: germline.
Comment: In summary, the currently available evidence indicates that the variant is pathogenic, but additional data are needed to prove that conclusively. Therefore, this variant has been classified as Likely Pathogenic. This variant disrupts the p.Cys24 amino acid residue in BRCA1. Other variant(s) that disrupt this residue have been observed in affected individuals (PMID: 25823446, 20103620, 18489799, 11320250), and experimental studies suggest this cysteine residue is critical for protein function (PMID: 11526114, 22843421, 21725363, 23161852, 25823446, 30209399). As a result, variants that disrupt this residue are likely to be causative of disease. Advanced modeling of experimental studies (such as gene expression, population dynamics, functional pathways, and cell-cycle effects in cell culture) performed at Invitae indicates that this missense variant is expected to disrupt BRCA1 protein function. This variant has been observed in an individual affected with breast cancer (PMID: 28664449). ClinVar contains an entry for this variant (Variation ID: 649351). This variant is not present in population databases (ExAC no frequency). This sequence change replaces cysteine with glycine at codon 24 of the BRCA1 protein (p.Cys24Gly). The cysteine residue is highly conserved and there is a large physicochemical difference between cysteine and glycine.

Ambry Genetics
Classification: Pathogenic for Hereditary cancer-predisposing syndrome. Last evaluated: 2020-06-03. Review status: criteria provided, single submitter. Criteria: Ambry Variant Classification Scheme 2023. Collection method: clinical testing. Allele origin: germline.
Comment: The p.C24G pathogenic mutation (also known as c.70T>G), located in coding exon 1 of the BRCA1 gene, results from a T to G substitution at nucleotide position 70. The cysteine at codon 24 is replaced by glycine, an amino acid with highly dissimilar properties. This alteration was identified in a cohort of 313 unselected individuals with breast cancer from China (Li G et al. J. Cancer Res. Clin. Oncol., 2017 Oct;143:2011-2024). This variant is non-functional in multiple assays including BARD1 binding, E3 Ubiquitin Ligase activity and a haploid cell survival assay (Findlay GM. Nature. 2018 10;562(7726):217-222; Starita LM et al. Genetics, 2015 Jun;200:413-22). Based on internal structural assessment, this alteration disrupts one of the Zn-binding sites of the BRCA1 RING domain (Ambry internal data; Brzovic PS et al. Nat. Struct. Biol., 2001 Oct;8:833-7). This variant was not reported in population-based cohorts in the Genome Aggregation Database (gnomAD). Multiple pathogenic alterations are located at this position highlighting its sensitivity to amino acid substitution (Ambry internal data). This amino acid position is highly conserved in available vertebrate species. In addition, this alteration is predicted to be deleterious by in silico analysis. Based on the supporting evidence, this alteration is interpreted as a disease-causing mutation.

Brotman Baty Institute, University of Washington
No classification provided (evidence only). Condition: Breast-ovarian cancer, familial 1. Review status: no classification provided. Collection method: in vitro. Allele origin: not applicable. Functional consequence: functionally_abnormal. Not counted in ClinVar's aggregate classification.
ClinVar note: "not provided" was previously submitted as the classification for the variant. However, the classification appeared to be based only on an observation of functional data so it was converted to no classification on 2025-07-30.

Literature cited by the submitters: PubMed 25823446 (cited by 3 submitters); PubMed 30209399 (cited by 3 submitters); PubMed 28664449 (cited by 3 submitters); PubMed 33087888 (cited by Quest Diagnostics Nichols Institute San Juan Capistrano); PubMed 20103620 (cited by Labcorp Genetics (formerly Invitae), Labcorp); PubMed 18489799 (cited by Labcorp Genetics (formerly Invitae), Labcorp); PubMed 11320250 (cited by Labcorp Genetics (formerly Invitae), Labcorp); PubMed 11526114 (cited by Labcorp Genetics (formerly Invitae), Labcorp); PubMed 22843421 (cited by Labcorp Genetics (formerly Invitae), Labcorp); PubMed 21725363 (cited by Labcorp Genetics (formerly Invitae), Labcorp); PubMed 23161852 (cited by Labcorp Genetics (formerly Invitae), Labcorp); PubMed 17913829 (cited by Ambry Genetics); PubMed 26109977 (cited by Ambry Genetics); PubMed 30702160 (cited by Ambry Genetics).